The following is an entry in ClinVar:

NM_018117.12(WDR11):c.26A>G (p.Lys9Arg)

Gene: WDR11 (WD repeat domain 11; plus strand). Cytogenetic location: 10q26.12.
Variant type: single nucleotide variant.
Coding change: c.26A>G on transcript NM_018117.12 (MANE Select); coding-DNA position 26, A replaced by G.
Protein change: p.Lys9Arg; replaces lysine 9 with arginine.
Molecular consequence: missense variant.
Genome position (GRCh38, 1-based): chr10:120,851,446, A>G. VCF-style: chr10-120851446-A-G. GRCh37 (hg19) VCF-style: chr10-122610958-A-G.
Other names: short protein forms K9R.
Identifiers: ClinVar variation 3641013 (VCV003641013.2).

ClinVar aggregate classification (germline): Uncertain significance (1 of 4 stars; one submission).

gnomAD v4.1: 22 of 1,612,058 alleles (0.0014%); highest among the groups gnomAD compares: Non-Finnish European, 0.0018%; no homozygotes.

Submission:

Labcorp Genetics (formerly Invitae), Labcorp
Classification: Uncertain significance. Last evaluated: 2025-03-24. Review status: criteria provided, single submitter. Criteria: Invitae Variant Classification Sherloc (09022015). Collection method: clinical testing. Allele origin: germline.
Comment: This sequence change replaces lysine, which is basic and polar, with arginine, which is basic and polar, at codon 9 of the WDR11 protein (p.Lys9Arg). This variant is present in population databases (rs776071885, gnomAD 0.002%). This variant has not been reported in the literature in individuals affected with WDR11-related conditions. An algorithm developed to predict the effect of missense changes on protein structure and function (PolyPhen-2) suggests that this variant is likely to be tolerated. In summary, the available evidence is currently insufficient to determine the role of this variant in disease. Therefore, it has been classified as a Variant of Uncertain Significance.